The following is an entry in ClinVar:

ClinVar aggregate classification (germline): Pathogenic/Likely pathogenic. Review status: criteria provided, multiple submitters, no conflicts (2 of 4 stars). 4 submissions from 4 submitters: Pathogenic (3); Likely pathogenic (1). Last evaluated 2025-06-02.

Conditions:
Permanent neonatal diabetes mellitus (PNDM). Identifiers: Orphanet 99885, MedGen C1833104, MONDO:0100164, MONDO:0011643. Disease mechanism: gain of function.
Neonatal diabetes mellitus (NDM). Identifiers: Orphanet 224, MedGen C0158981, MONDO:0016391.
ABCC8-related disorder.

Submissions (4):

GeneDx
Classification: Pathogenic. Last evaluated: 2025-06-02. Review status: criteria provided, single submitter. Criteria: GeneDx Variant Classification Process June 2021. Collection method: clinical testing. Allele origin: germline. Affected: yes.
Comment: Published functional studies demonstrate a damaging effect leading to misregulation of insulin secretion (PMID: 24843665); Not observed at significant frequency in large population cohorts (gnomAD); In silico analysis supports that this missense variant has a deleterious effect on protein structure/function; This variant is associated with the following publications: (PMID: 32418263, 32893419, 24843665, 31390154, 22842804, 34566892, 38970407)

Blueprint Genetics
Classification: Pathogenic for ABCC8-related disorders. Last evaluated: 2024-06-20. Review status: criteria provided, single submitter. Criteria: ACMG Guidelines, 2015. Collection method: clinical testing. Allele origin: germline. Affected: yes. Observed: 1 variant allele.

Genetic Services Laboratory, University of Chicago
Classification: Pathogenic for Diabetes mellitus, permanent neonatal. Last evaluated: 2016-01-20. Review status: criteria provided, single submitter. Criteria: ACMG Guidelines, 2015. Collection method: clinical testing. Allele origin: germline. Affected: yes.

Molecular Genetics, Madras Diabetes Research Foundation
Classification: Likely pathogenic for Neonatal diabetes mellitus. Review status: criteria provided, single submitter. Criteria: ACMG Guidelines, 2015. Collection method: clinical testing. Allele origin: germline. Affected: yes.

Literature cited by the submitters: PubMed 32893419 (cited by Molecular Genetics, Madras Diabetes Research Foundation).

NM_000352.6(ABCC8):c.3593C>T (p.Pro1198Leu)

Gene: ABCC8 (ATP binding cassette subfamily C member 8; minus strand). Cytogenetic location: 11p15.1.
Variant type: single nucleotide variant.
Coding change: c.3593C>T on transcript NM_000352.6 (MANE Select); coding-DNA position 3593, C replaced by T.
Protein change: p.Pro1198Leu; replaces proline 1198 with leucine.
Molecular consequence: missense variant. On other transcripts: non-coding transcript variant (1).
Genome position (GRCh38, 1-based): chr11:17,402,718, G>A on the plus strand (C>T on the coding strand, the complement: ABCC8 is on the minus strand). VCF-style: chr11-17402718-G-A. GRCh37 (hg19) VCF-style: chr11-17424265-G-A.
Other names: c.3596C>T, p.Pro1199Leu (NM_001287174.3); c.3659C>T, p.Pro1220Leu (NM_001351295.2); c.3593C>T, p.Pro1198Leu (NM_001351296.2); c.3590C>T, p.Pro1197Leu (NM_001351297.2); c.3593C>T (NM_000352.3); short protein forms P1198L, P1199L, P1197L, P1220L.
Identifiers: ClinVar variation 434047 (VCV000434047.9), dbSNP rs1554909277, ClinGen allele CA379796687.